The following is an entry in ClinVar:

ClinVar aggregate classification (germline): Conflicting classifications of pathogenicity. Review status: criteria provided, conflicting classifications (1 of 4 stars). 4 submissions from 4 submitters: Likely pathogenic (3); Uncertain significance (1). Last evaluated 2025-08-01.

Conditions:
Epidermolysis bullosa pruriginosa. Also called: DEB, PRURIGINOSA; DYSTROPHIC EPIDERMOLYSIS BULLOSA PRURIGINOSA. Identifiers: Orphanet 89843, MedGen C1275114, MONDO:0011398, OMIM 604129.
Pretibial dystrophic epidermolysis bullosa. Also called: Pretibial epidermolysis bullosa; EPIDERMOLYSIS BULLOSA DYSTROPHICA, PRETIBIAL; Pretibial blistering. Identifiers: Orphanet 79410, MedGen C0432321, MONDO:0007552, OMIM 131850, HP:0012221.
Dominant dystrophic epidermolysis bullosa with absence of skin. Also called: EPIDERMOLYSIS BULLOSA WITH CONGENITAL LOCALIZED ABSENCE OF SKIN AND DEFORMITY OF NAILS; EPIDERMOLYSIS BULLOSA DYSTROPHICA, BART TYPE. Identifiers: MedGen C0268371, MONDO:0007557, OMIM 132000.
Nonsyndromic congenital nail disorder 8. Also called: TOENAIL DYSTROPHY, ISOLATED. Identifiers: MedGen C1843761, MONDO:0011852, OMIM 607523.
Transient bullous dermolysis of the newborn (TBDN). Also called: DYSTROPHIC EPIDERMOLYSIS BULLOSA, NEONATAL; EPIDERMOLYSIS BULLOSA DYSTROPHICA, NEONATAL FORM. Identifiers: Orphanet 79411, MedGen C1851573, MONDO:0007548, OMIM 131705.
Recessive dystrophic epidermolysis bullosa (RDEB). Also called: severe generalized recessive dystrophic epidermolysis bullosa; EPIDERMOLYSIS BULLOSA DYSTROPHICA, GENERALIZED SEVERE, AUTOSOMAL RECESSIVE; Recessive DEB (RDEB); DYSTROPHIC EPIDERMOLYSIS BULLOSA, AUTOSOMAL RECESSIVE; epidermolysis bullosa dystrophica, autosomal recessive; Hallopeau-Siemens Disease. Identifiers: Orphanet 79408, Orphanet 79409, MedGen C0079474, MONDO:0009179, OMIM 226600.
Generalized dominant dystrophic epidermolysis bullosa (DDEB). Also called: DDEB, generalized; DDEB-gen; DYSTROPHIC EPIDERMOLYSIS BULLOSA, AUTOSOMAL DOMINANT; Epidermolysis bullosa dystrophica, autosomal dominant; Dominant DEB (DDEB). Identifiers: Orphanet 231568, MedGen C0432322, MONDO:0007549, OMIM 131750.
Epidermolysis bullosa dystrophica. Also called: Dystrophic epidermolysis bullosa, Hallopeau-Siemens type (formerly); Dystrophic epidermolysis bullosa. Identifiers: Orphanet 303, MedGen C0079294, MONDO:0006543.

Allele frequency attached by ClinVar (database versions not stated): TOPMed below 0.00001; gnomAD exomes 0.00001 and 0.00002; ExAC 0.00002.
gnomAD v4.1: 8 of 1,614,188 alleles (0.0005%); highest among the groups gnomAD compares: Admixed American, 0.0017%; no homozygotes.

Submissions (4):

Natera, Inc.
Classification: Likely pathogenic for Dystrophic epidermolysis bullosa. Last evaluated: 2025-08-01. Review status: criteria provided, single submitter. Criteria: Natera Variant Classification Schema (03/2026). Collection method: clinical testing. Allele origin: germline.
Comment: The c.7104+1G>A variant in COL7A1 is a canonical splice donor site variant predicted to affect pre-mRNA splicing, which may result in an abnormal transcript and altered protein product. This variant is expected to result in nonsense mediated decay, truncation, or a dysfunctional protein product. This variant is rare in the general population with a frequency below the threshold expected for the associated phenotype(s). Given the available evidence, this variant is classified as Likely Pathogenic.

Labcorp Genetics (formerly Invitae), Labcorp
Classification: Likely pathogenic. Last evaluated: 2025-06-22. Review status: criteria provided, single submitter. Criteria: Invitae Variant Classification Sherloc (09022015). Collection method: clinical testing. Allele origin: germline.
Comment: This sequence change affects a donor splice site in intron 92 of the COL7A1 gene. It is expected to disrupt splicing. Variants that disrupt the donor or acceptor splice site typically lead to a loss of protein function (PMID: 16199547), and loss-of-function variants in COL7A1 are known to be disease-causing for autosomal recessive dystrophic epidermolysis bullosa (PMID: 16971478). However, certain variants affecting donor or acceptor splice sites in the triple helical domain of COL7A1 are expected to result in in-frame exon skipping and have been reported to cause autosomal dominant dystrophic epidermolysis bullosa (PMID: 31670143). This variant is present in population databases (rs772756089, gnomAD 0.003%). This variant has not been reported in the literature in individuals affected with COL7A1-related conditions. ClinVar contains an entry for this variant (Variation ID: 642141). Algorithms developed to predict the effect of sequence changes on RNA splicing suggest that this variant may disrupt the consensus splice site. In summary, the currently available evidence indicates that the variant is pathogenic, but additional data are needed to prove that conclusively. Therefore, this variant has been classified as Likely Pathogenic.

Blueprint Genetics
Classification: Uncertain significance. Last evaluated: 2024-08-05. Review status: criteria provided, single submitter. Criteria: ACMG Guidelines, 2015. Collection method: clinical testing. Allele origin: germline.

Fulgent Genetics
Classification: Likely pathogenic for Transient bullous dermolysis of the newborn; Generalized dominant dystrophic epidermolysis bullosa; Pretibial dystrophic epidermolysis bullosa; Dominant dystrophic epidermolysis bullosa with absence of skin; Recessive dystrophic epidermolysis bullosa; Epidermolysis bullosa pruriginosa; Nonsyndromic congenital nail disorder 8. Last evaluated: 2024-02-09. Review status: criteria provided, single submitter. Criteria: ACMG Guidelines, 2015. Collection method: clinical testing. Allele origin: germline.

Literature cited by the submitters: PubMed 16199547 (cited by Labcorp Genetics (formerly Invitae), Labcorp); PubMed 16971478 (cited by Labcorp Genetics (formerly Invitae), Labcorp); PubMed 31670143 (cited by Labcorp Genetics (formerly Invitae), Labcorp).

NM_000094.4(COL7A1):c.7104+1G>A

Gene: COL7A1 (collagen type VII alpha 1 chain; minus strand). Cytogenetic location: 3p21.31.
Variant type: single nucleotide variant.
Coding change: c.7104+1G>A on transcript NM_000094.4 (MANE Select); the canonical splice donor site of the intron after coding-DNA position 7104, G replaced by A.
Molecular consequence: splice donor variant.
Genome position (GRCh38, 1-based): chr3:48,571,242, C>T on the plus strand (G>A on the coding strand, the complement: COL7A1 is on the minus strand). VCF-style: chr3-48571242-C-T. GRCh37 (hg19) VCF-style: chr3-48608675-C-T.
Identifiers: ClinVar variation 642141 (VCV000642141.11), dbSNP rs772756089, ClinGen allele CA2378658.